The following is an entry in ClinVar:

ClinVar aggregate classification (germline): Pathogenic (1 of 4 stars; one submission).

Conditions:
Mucopolysaccharidosis, MPS-II (MPS2). Also called: Hunter Syndrome; IDURONATE 2-SULFATASE DEFICIENCY; Mucopolysaccharidosis Type II; Mucopolysaccharidosis type 2; Attenuated MPS (subtype; formerly known as mild MPS II); Severe MPS II. Identifiers: Orphanet 580, Orphanet 79388, MedGen C0026705, MONDO:0010674, OMIM 309900.

Submission:

Laboratory of Diagnosis and Therapy of Lysosomal Disorders, University of Padova
Classification: Pathogenic for Mucopolysaccharidosis, MPS-II. Last evaluated: 2024-06-07. Review status: criteria provided, single submitter. Criteria: ACMG Guidelines, 2015. Collection method: literature only. Allele origin: germline. Affected: yes. Observed: 2 variant alleles.
Comment: Null variant (PVS1_VeryStrong), Absent from controls (or at low frequency) in gnomAD database (PM2_Moderate), Patient’s phenotype or family history highly specific for the disease (PP4_Moderate)

Classification method: ACMG Guidelines [PMID:25741868] with modifications

Literature cited by the submitters: PubMed 19933090; PubMed 36945845.

NM_000202.8(IDS):c.876_877del (p.Phe292fs)

Genes: IDS (iduronate 2-sulfatase; minus strand), LOC106050102 (IDS recombination region; plus strand). Cytogenetic location: Xq28.
Variant type: Deletion.
Coding change: c.876_877del on transcript NM_000202.8 (MANE Select); coding-DNA positions 876 to 877, 2 bases deleted (TC; older notation c.876_877delTC).
Protein change: p.Phe292fs; shifts the reading frame from phenylalanine 292.
Molecular consequence: frameshift variant. On other transcripts: non-coding transcript variant (1).
Genome position (GRCh38, 1-based): chrX:149,496,348-149,496,349, GA deleted on the plus strand (TC on the coding strand, the reverse complement: IDS is on the minus strand). VCF-style (leftmost placement, unchanged base first): chrX-149496347-TGA-T. GRCh37 (hg19) VCF-style: chrX-148577878-TGA-T.
Other names: c.606_607del, p.Phe202fs (NM_001166550.4); c.876_877del, p.Phe292fs (NM_006123.5); short protein forms F202fs, F292fs.
Identifiers: ClinVar variation 3255864 (VCV003255864.2).